The following is an entry in ClinVar:

NM_014727.3(KMT2B):c.8064C>T (p.Tyr2688=)

Gene: KMT2B (lysine methyltransferase 2B; plus strand). Cytogenetic location: 19q13.12.
Variant type: single nucleotide variant.
Coding change: c.8064C>T on transcript NM_014727.3 (MANE Select); coding-DNA position 8064, C replaced by T.
Protein change: p.Tyr2688=; no amino-acid change (tyrosine 2688 retained).
Molecular consequence: synonymous variant.
Genome position (GRCh38, 1-based): chr19:35,738,473, C>T. VCF-style: chr19-35738473-C-T. GRCh37 (hg19) VCF-style: chr19-36229374-C-T.
Identifiers: ClinVar variation 2189260 (VCV002189260.28), dbSNP rs749575457, ClinGen allele CA9386102.

ClinVar aggregate classification (germline): Benign/Likely benign. Review status: criteria provided, multiple submitters, no conflicts (2 of 4 stars). 2 submissions from 2 submitters: Benign (1); Likely benign (1). Last evaluated 2024-11-22.

Allele frequency attached by ClinVar (database versions not stated): gnomAD 0.00001; gnomAD exomes 0.00002; TOPMed 0.00002; ExAC 0.00003.
gnomAD v4.1: 31 of 1,613,990 alleles (0.0019%); highest among the groups gnomAD compares: South Asian, 0.0055%; 1 homozygote.

Submissions (2):

Labcorp Genetics (formerly Invitae), Labcorp
Classification: Benign. Last evaluated: 2024-11-22. Review status: criteria provided, single submitter. Criteria: Invitae Variant Classification Sherloc (09022015). Collection method: clinical testing. Allele origin: germline.

CeGaT Center for Human Genetics Tuebingen
Classification: Likely benign. Last evaluated: 2022-04-01. Review status: criteria provided, single submitter. Criteria: CeGaT Center For Human Genetics Tuebingen Variant Classification Criteria Version 2. Collection method: clinical testing. Allele origin: germline. Affected: yes. Observed: 1 variant allele.
Comment: KMT2B: BP4, BP7